The following is an entry in ClinVar:

NM_138713.4(NFAT5):c.4237C>G (p.Gln1413Glu)

Gene: NFAT5 (nuclear factor of activated T cells 5; plus strand). Cytogenetic location: 16q22.1.
Variant type: single nucleotide variant.
Coding change: c.4237C>G on transcript NM_138713.4 (MANE Select); coding-DNA position 4237, C replaced by G.
Protein change: p.Gln1413Glu; replaces glutamine 1413 with glutamic acid.
Molecular consequence: missense variant.
Genome position (GRCh38, 1-based): chr16:69,694,062, C>G. VCF-style: chr16-69694062-C-G. GRCh37 (hg19) VCF-style: chr16-69727965-C-G.
Other names: c.4234C>G, p.Gln1412Glu (NM_001113178.3); c.3562C>G, p.Gln1188Glu (NM_001367709.1); c.4183C>G, p.Gln1395Glu (NM_006599.4); c.3955C>G, p.Gln1319Glu (NM_138714.4, NM_173214.3, NM_173215.3); short protein forms Q1188E, Q1412E, Q1319E, Q1395E, Q1413E.
Identifiers: ClinVar variation 2758596 (VCV002758596.3), dbSNP rs2544255234, ClinGen allele CA396515325.

ClinVar aggregate classification (germline): Uncertain significance (1 of 4 stars; one submission).

Conditions:
Immunodeficiency. Identifiers: MedGen C0021051, MONDO:0021094, HP:0002721.

Submission:

Labcorp Genetics (formerly Invitae), Labcorp
Classification: Uncertain significance for Immunodeficiency. Last evaluated: 2023-09-06. Review status: criteria provided, single submitter. Criteria: Invitae Variant Classification Sherloc (09022015). Collection method: clinical testing. Allele origin: germline.
Comment: In summary, the available evidence is currently insufficient to determine the role of this variant in disease. Therefore, it has been classified as a Variant of Uncertain Significance. An algorithm developed to predict the effect of missense changes on protein structure and function (PolyPhen-2) suggests that this variant is likely to be disruptive. This variant has not been reported in the literature in individuals affected with NFAT5-related conditions. This variant is not present in population databases (gnomAD no frequency). This sequence change replaces glutamine, which is neutral and polar, with glutamic acid, which is acidic and polar, at codon 1319 of the NFAT5 protein (p.Gln1319Glu).